The following is an entry in ClinVar:

NM_001083962.2(TCF4):c.1013A>G (p.Asn338Ser)

Gene: TCF4 (transcription factor 4; minus strand). Cytogenetic location: 18q21.2.
Variant type: single nucleotide variant.
Coding change: c.1013A>G on transcript NM_001083962.2 (MANE Select); coding-DNA position 1013, A replaced by G.
Protein change: p.Asn338Ser; replaces asparagine 338 with serine.
Molecular consequence: missense variant.
Genome position (GRCh38, 1-based): chr18:55,260,005, T>C on the plus strand (A>G on the coding strand, the complement: TCF4 is on the minus strand). VCF-style: chr18-55260005-T-C. GRCh37 (hg19) VCF-style: chr18-52927236-T-C.
Other names: c.1013A>G (NM_001083962.1); c.887A>G, p.Asn296Ser (NM_001243231.2, NM_001348211.2); c.800A>G, p.Asn267Ser (NM_001243232.1, NM_001306208.1); c.623A>G, p.Asn208Ser (NM_001243233.2, NM_001330605.3, NM_001348212.2 and 1 more transcripts); c.533A>G, p.Asn178Ser (NM_001243234.2, NM_001243235.2, NM_001243236.2 and 2 more transcripts); c.941A>G, p.Asn314Ser (NM_001306207.1, NM_001369586.1, NM_001243227.2 and 9 more transcripts); c.1013A>G, p.Asn338Ser (NM_001330604.3, NM_001369567.1, NM_001369568.1 and 4 more transcripts); c.938A>G, p.Asn313Ser (NM_001348220.1, NM_001369585.1, NM_001369576.1 and 3 more transcripts); and 5 more; short protein forms N314S, N338S, N122S, N178S, N208S, N313S, N337S, N440S.
Identifiers: ClinVar variation 2836079 (VCV002836079.4), dbSNP rs2512251010, ClinGen allele CA402534845.

ClinVar aggregate classification (germline): Uncertain significance. Review status: criteria provided, multiple submitters, no conflicts (2 of 4 stars). 2 submissions from 2 submitters: Uncertain significance (2). Last evaluated 2024-11-05.

Conditions:
Pitt-Hopkins syndrome (PTHS). Also called: ENCEPHALOPATHY, SEVERE EPILEPTIC, WITH AUTONOMIC DYSFUNCTION; MENTAL RETARDATION, SYNDROMAL, WITH INTERMITTENT HYPERVENTILATION. Identifiers: Orphanet 2896, MedGen C1970431, MONDO:0012589, OMIM 610954.

Submissions (2):

Labcorp Genetics (formerly Invitae), Labcorp
Classification: Uncertain significance for Pitt-Hopkins syndrome. Last evaluated: 2024-11-05. Review status: criteria provided, single submitter. Criteria: Invitae Variant Classification Sherloc (09022015). Collection method: clinical testing. Allele origin: germline.
Comment: This sequence change replaces asparagine, which is neutral and polar, with serine, which is neutral and polar, at codon 338 of the TCF4 protein (p.Asn338Ser). This variant is not present in population databases (gnomAD no frequency). This variant has not been reported in the literature in individuals affected with TCF4-related conditions. ClinVar contains an entry for this variant (Variation ID: 2836079). Invitae Evidence Modeling of protein sequence and biophysical properties (such as structural, functional, and spatial information, amino acid conservation, physicochemical variation, residue mobility, and thermodynamic stability) indicates that this missense variant is not expected to disrupt TCF4 protein function with a negative predictive value of 95%. In summary, the available evidence is currently insufficient to determine the role of this variant in disease. Therefore, it has been classified as a Variant of Uncertain Significance.

GeneDx
Classification: Uncertain significance. Last evaluated: 2024-07-02. Review status: criteria provided, single submitter. Criteria: GeneDx Variant Classification Process June 2021. Collection method: clinical testing. Allele origin: germline. Affected: yes.
Comment: Not observed at significant frequency in large population cohorts (gnomAD); In silico analysis indicates that this missense variant does not alter protein structure/function; Has not been previously published as pathogenic or benign to our knowledge